The following is an entry in ClinVar:

NM_005559.4(LAMA1):c.3191A>C (p.Gln1064Pro)

Gene: LAMA1 (laminin subunit alpha 1; minus strand). Cytogenetic location: 18p11.31.
Variant type: single nucleotide variant.
Coding change: c.3191A>C on transcript NM_005559.4 (MANE Select); coding-DNA position 3191, A replaced by C.
Protein change: p.Gln1064Pro; replaces glutamine 1064 with proline.
Molecular consequence: missense variant.
Genome position (GRCh38, 1-based): chr18:7,013,987, T>G on the plus strand (A>C on the coding strand, the complement: LAMA1 is on the minus strand). VCF-style: chr18-7013987-T-G. GRCh37 (hg19) VCF-style: chr18-7013986-T-G.
Other names: short protein forms Q1064P.
Identifiers: ClinVar variation 1030930 (VCV001030930.2), dbSNP rs535850595, ClinGen allele CA8882356.
Genomic context (GRCh38, chr18:7,013,987, plus strand): 5'-AAGTCTCTGTAACCCAAGGAACACTGATCGCAGGCCCGGCCACCAAATTTTGACTTGCAC[T>G]GGCAATGGCCGGTGACCACATCGCACCGATGATGAGTCGACCCCACGAGACTGCAATTGC-3'
Protein context (NP_005550.2, residues 1054-1074): HRCDVVTGHC[Gln1064Pro]CKSKFGGRAC

ClinVar aggregate classification (germline): Uncertain significance. Review status: criteria provided, multiple submitters, no conflicts (2 of 4 stars). 2 submissions from 2 submitters: Uncertain significance (2). Last evaluated 2025-08-25.

Conditions:
Ataxia - intellectual disability - oculomotor apraxia - cerebellar cysts syndrome. Also called: Poretti-Boltshauser syndrome. Identifiers: Orphanet 370022, MedGen C4014821, MONDO:0014419, OMIM 615960.

Allele frequency attached by ClinVar (database versions not stated): gnomAD 0.00001; gnomAD exomes 0.00001; ExAC 0.00002; 1000 Genomes Project 30x 0.00031; 1000 Genomes Project 0.00040.
gnomAD v4.1: 3 of 1,613,962 alleles (0.00019%); highest among the groups gnomAD compares: African/African-American, 0.0027%; no homozygotes.

Submissions (2):

Daryl Scott Lab, Baylor College of Medicine
Classification: Uncertain significance for Ataxia - intellectual disability - oculomotor apraxia - cerebellar cysts syndrome. Last evaluated: 2025-08-25. Review status: criteria provided, single submitter. Criteria: ACMG Guidelines, 2015. Collection method: clinical testing. Allele origin: maternal. Affected: yes. Observed: 1 heterozygote.
Comment: PM2, BP4

Baylor Genetics
Classification: Uncertain significance for Ataxia - intellectual disability - oculomotor apraxia - cerebellar cysts syndrome. Last evaluated: 2020-05-21. Review status: criteria provided, single submitter. Criteria: ACMG Guidelines, 2015. Collection method: clinical testing. Allele origin: unknown. Affected: yes.
Comment: This variant was determined to be of uncertain significance according to ACMG Guidelines, 2015 [PMID:25741868].